The following is an entry in ClinVar:

NM_000059.4(BRCA2):c.7152A>G (p.Gln2384=)

Gene: BRCA2 (BRCA2 DNA repair associated; plus strand). Cytogenetic location: 13q13.1.
Variant type: single nucleotide variant.
Coding change: c.7152A>G on transcript NM_000059.4 (MANE Select); coding-DNA position 7152, A replaced by G.
Protein change: p.Gln2384=; no amino-acid change (glutamine 2384 retained).
Molecular consequence: synonymous variant.
Genome position (GRCh38, 1-based): chr13:32,355,005, A>G. VCF-style: chr13-32355005-A-G. GRCh37 (hg19) VCF-style: chr13-32929142-A-G.
Other names: 7380A/G.
Identifiers: ClinVar variation 52274 (VCV000052274.3), dbSNP rs80359796, ClinGen allele CA024909.

ClinVar aggregate classification (germline): Likely benign. Review status: reviewed by expert panel (3 of 4 stars). 2 submissions from 2 submitters: Likely benign (1). 1 of the submissions does not count toward it. Last evaluated 2017-06-29.

Conditions:
Breast-ovarian cancer, familial, susceptibility to, 2 (BROVCA2). Also called: BRCA2 Hereditary Breast and Ovarian Cancer. Identifiers: Orphanet 145, MedGen C2675520, MONDO:0012933, OMIM 612555. Disease mechanism: loss of function.

Submissions (2):

Evidence-based Network for the Interpretation of Germline Mutant Alleles (ENIGMA)
Classification: Likely benign for Breast-ovarian cancer, familial, susceptibility to, 2. Last evaluated: 2017-06-29. Review status: reviewed by expert panel. Criteria: ENIGMA BRCA1/2 Classification Criteria (2017-06-29). Collection method: curation. Allele origin: germline.
Comment: Synonymous substitution variant, with low bioinformatic likelihood to result in a splicing aberration (Splicing prior probability 0.02).

Breast Cancer Information Core (BIC) (BRCA2)
Classification: Uncertain significance for Breast-ovarian cancer, familial 2. Last evaluated: 1998-06-22. Review status: no assertion criteria provided. Collection method: clinical testing. Allele origin: germline. Affected: yes. Observed: 1 variant allele. Not counted in ClinVar's aggregate classification.